The following is an entry in ClinVar:

ClinVar aggregate classification (germline): Uncertain significance (1 of 4 stars; one submission).

Conditions:
Familial thoracic aortic aneurysm and aortic dissection (TAAD). Also called: Thoracic aortic aneurysms and dissections. Identifiers: Orphanet 91387, MedGen C4707243, MONDO:0019625.
Marfan syndrome (MFS). Also called: FBN1-Related Marfan Syndrome; Marfan's syndrome; MARFAN SYNDROME, TYPE I; Marfan syndrome type 1; Marfan syndrome, classic. Identifiers: Orphanet 284963, Orphanet 558, MedGen C0024796, MONDO:0007947, OMIM 154700.

Submission:

Labcorp Genetics (formerly Invitae), Labcorp
Classification: Uncertain significance for Marfan syndrome; Familial thoracic aortic aneurysm and aortic dissection. Last evaluated: 2022-09-07. Review status: criteria provided, single submitter. Criteria: Invitae Variant Classification Sherloc (09022015). Collection method: clinical testing. Allele origin: germline.
Comment: This sequence change replaces glutamine, which is neutral and polar, with proline, which is neutral and non-polar, at codon 2467 of the FBN1 protein (p.Gln2467Pro). This variant is not present in population databases (gnomAD no frequency). This missense change has been observed in individuals with Marfan syndrome (PMID: 26787436). ClinVar contains an entry for this variant (Variation ID: 852973). Algorithms developed to predict the effect of missense changes on protein structure and function are either unavailable or do not agree on the potential impact of this missense change (SIFT: "Tolerated"; PolyPhen-2: "Possibly Damaging"; Align-GVGD: "Class C0"). This variant disrupts the p.Gln2467 amino acid residue in FBN1. Other variant(s) that disrupt this residue have been observed in individuals with FBN1-related conditions (PMID: 29907982), which suggests that this may be a clinically significant amino acid residue. In summary, the available evidence is currently insufficient to determine the role of this variant in disease. Therefore, it has been classified as a Variant of Uncertain Significance.

Literature cited by the submitters: PubMed 26787436; PubMed 29907982.

NM_000138.5(FBN1):c.7400A>C (p.Gln2467Pro)

Gene: FBN1 (fibrillin 1; minus strand). Cytogenetic location: 15q21.1.
Variant type: single nucleotide variant.
Coding change: c.7400A>C on transcript NM_000138.5 (MANE Select); coding-DNA position 7400, A replaced by C.
Protein change: p.Gln2467Pro; replaces glutamine 2467 with proline.
Molecular consequence: missense variant.
Genome position (GRCh38, 1-based): chr15:48,425,422, T>G on the plus strand (A>C on the coding strand, the complement: FBN1 is on the minus strand). VCF-style: chr15-48425422-T-G. GRCh37 (hg19) VCF-style: chr15-48717619-T-G.
Other names: short protein forms Q2467P.
Identifiers: ClinVar variation 852973 (VCV000852973.9), dbSNP rs770839761, ClinGen allele CA392327793.